The following is an entry in ClinVar:

NM_001039141.3(TRIOBP):c.7078C>T (p.Arg2360Cys)

Gene: TRIOBP (TRIO and F-actin binding protein; plus strand). Cytogenetic location: 22q13.1.
Variant type: single nucleotide variant.
Coding change: c.7078C>T on transcript NM_001039141.3 (MANE Select); coding-DNA position 7078, C replaced by T.
Protein change: p.Arg2360Cys; replaces arginine 2360 with cysteine.
Molecular consequence: missense variant.
Genome position (GRCh38, 1-based): chr22:37,772,742, C>T. VCF-style: chr22-37772742-C-T. GRCh37 (hg19) VCF-style: chr22-38168749-C-T.
Other names: c.1939C>T, p.Arg647Cys (NM_007032.5); short protein forms R2360C, R647C.
Identifiers: ClinVar variation 2168680 (VCV002168680.1), dbSNP rs371230470, ClinGen allele CA10225342.

ClinVar aggregate classification (germline): Uncertain significance (1 of 4 stars; one submission).

Allele frequency attached by ClinVar (database versions not stated): gnomAD 0.00006; TOPMed 0.00006; ESP Exome Variant Server 0.00015.
gnomAD v4.1: 35 of 1,613,612 alleles (0.0022%); highest among the groups gnomAD compares: African/African-American, 0.019%; no homozygotes.

Submission:

Labcorp Genetics (formerly Invitae), Labcorp
Classification: Uncertain significance. Last evaluated: 2022-04-11. Review status: criteria provided, single submitter. Criteria: Invitae Variant Classification Sherloc (09022015). Collection method: clinical testing. Allele origin: germline.
Comment: This sequence change replaces arginine, which is basic and polar, with cysteine, which is neutral and slightly polar, at codon 2360 of the TRIOBP protein (p.Arg2360Cys). The frequency data for this variant in the population databases is considered unreliable, as metrics indicate poor data quality at this position in the gnomAD database. This variant has not been reported in the literature in individuals affected with TRIOBP-related conditions. Algorithms developed to predict the effect of missense changes on protein structure and function output the following: SIFT: "Deleterious"; PolyPhen-2: "Benign"; Align-GVGD: "Class C0". The cysteine amino acid residue is found in multiple mammalian species, which suggests that this missense change does not adversely affect protein function. In summary, the available evidence is currently insufficient to determine the role of this variant in disease. Therefore, it has been classified as a Variant of Uncertain Significance.